The following is an entry in ClinVar:

ClinVar aggregate classification (germline): Benign. Review status: reviewed by expert panel (3 of 4 stars). 2 submissions from 2 submitters: Benign (1). 1 of the submissions does not count toward it. Last evaluated 2015-01-12.

Conditions:
Breast-ovarian cancer, familial, susceptibility to, 1 (BROVCA1). Also called: BRCA1 Hereditary Breast and Ovarian Cancer; OVARIAN CANCER, SUSCEPTIBILITY TO. Identifiers: Orphanet 145, MedGen C2676676, MONDO:0011450, OMIM 604370. Disease mechanism: loss of function.

Allele frequency attached by ClinVar (database versions not stated): gnomAD 0.51408 and 0.51726; TOPMed 0.52486; 1000 Genomes Project 0.58546; 1000 Genomes Project 30x 0.59041.
gnomAD v4.1: 77,950 of 152,138 alleles (51%); highest among the groups gnomAD compares: African/African-American, 87%; 23,913 homozygotes.

Submissions (2):

Evidence-based Network for the Interpretation of Germline Mutant Alleles (ENIGMA)
Classification: Benign for Breast-ovarian cancer, familial 1. Last evaluated: 2015-01-12. Review status: reviewed by expert panel. Criteria: ENIGMA BRCA1/2 Classification Criteria (2015). Collection method: curation. Allele origin: germline.
Comment: Class 1 not pathogenic based on frequency >1% in an outbred sampleset. Frequency 0.4056 (Asian), 0.07114 (African), 0.3773 (European), derived from 1000 genomes (2012-04-30).

Breakthrough Genomics
Classification: Benign. Review status: criteria provided, single submitter. Criteria: ACMG Guidelines, 2015. Collection method: not provided. Allele origin: germline. Inheritance: Autosomal recessive inheritance. Affected: yes. Not counted in ClinVar's aggregate classification.

NM_007294.4(BRCA1):c.4186-1207C>T

Gene: BRCA1 (BRCA1 DNA repair associated; minus strand). Cytogenetic location: 17q21.31.
Variant type: single nucleotide variant.
Coding change: c.4186-1207C>T on transcript NM_007294.4 (MANE Select); 1207 bases into the intron before coding-DNA position 4186, C replaced by T.
Molecular consequence: intron variant.
Genome position (GRCh38, 1-based): chr17:43,083,782, G>A on the plus strand (C>T on the coding strand, the complement: BRCA1 is on the minus strand). VCF-style: chr17-43083782-G-A. GRCh37 (hg19) VCF-style: chr17-41235799-G-A.
Other names: IVS 12-1207C>T; c.736-1207C>T (NM_001408458.1, NM_001408453.1, NM_001408461.1 and 8 more transcripts); c.3298-1207C>T (NM_001407967.1, NM_001407966.1); c.3805-1207C>T (NM_001407959.1, NM_001407960.1); c.3919-1207C>T (NM_001407931.1, NM_001407932.1, NM_001407936.1 and 1 more transcripts); c.4042-1207C>T (NM_001407747.1, NM_001407839.1, NM_001407745.1 and 17 more transcripts); c.3802-1207C>T (NM_001407962.1); c.373-1207C>T (NM_001408512.1); and 65 more.
Identifiers: ClinVar variation 209413 (VCV000209413.3), dbSNP rs8067269, ClinGen allele CA276385.